The following is an entry in ClinVar:

ClinVar aggregate classification (germline): Pathogenic (1 of 4 stars; one submission).

Conditions:
Pheochromocytoma/paraganglioma syndrome 4. Also called: CAROTID BODY TUMORS AND MULTIPLE EXTRAADRENAL PHEOCHROMOCYTOMAS; PARAGANGLIOMA, FAMILIAL MALIGNANT; PARAGANGLIOMAS, HEREDITARY EXTRAADRENAL; PHEOCHROMOCYTOMA, FAMILIAL EXTRAADRENAL; Paragangliomas 4; SDHB-Related Hereditary Paraganglioma-Pheochromocytoma Syndrome (Paragangliomas 4). Identifiers: Orphanet 29072, MedGen C1861848, MONDO:0007273, OMIM 115310.

gnomAD v4.1: 1 of 1,612,144 alleles (0.000062%); highest among the groups gnomAD compares: Non-Finnish European, 0.000085%; no homozygotes.

Submission:

Myriad Genetics, Inc.
Classification: Pathogenic for Pheochromocytoma/paraganglioma syndrome 4. Last evaluated: 2026-06-04. Review status: criteria provided, single submitter. Criteria: Myriad Autosomal Dominant, Autosomal Recessive and X-Linked Classification Criteria (2023). Collection method: clinical testing. Allele origin: unknown.
Comment: This variant is considered pathogenic. This variant occurs within a consensus splice junction and is predicted to result in abnormal mRNA splicing of either an out-of-frame exon or an in-frame exon necessary for protein stability and/or normal function. This variant has been reported in multiple individuals with clinical features of gene-specific disease [PMID: 23512077, 33362715, 30201732, 28374168].

Literature cited by the submitters: PubMed 23512077; PubMed 33362715; PubMed 30201732; PubMed 28374168.

NM_003000.3(SDHB):c.72+1G>C

Genes: SDHB (succinate dehydrogenase complex iron sulfur subunit B; minus strand), LOC129929542 (ATAC-STARR-seq lymphoblastoid active region 277; plus strand). Cytogenetic location: 1p36.13.
Variant type: single nucleotide variant.
Coding change: c.72+1G>C on transcript NM_003000.3 (MANE Select); the canonical splice donor site of the intron after coding-DNA position 72, G replaced by C.
Molecular consequence: splice donor variant.
Genome position (GRCh38, 1-based): chr1:17,053,947, C>G on the plus strand (G>C on the coding strand, the complement: SDHB is on the minus strand). VCF-style: chr1-17053947-C-G. GRCh37 (hg19) VCF-style: chr1-17380442-C-G.
Other names: c.72+1G>C (NM_001407361.1).
Identifiers: ClinVar variation 4875706 (VCV004875706.1).